The following is an entry in ClinVar:

ClinVar aggregate classification (germline): Uncertain significance. Review status: criteria provided, multiple submitters, no conflicts (2 of 4 stars). 2 submissions from 2 submitters: Uncertain significance (2). Last evaluated 2022-06-03.

Conditions:
Inborn genetic diseases. Identifiers: MedGen C0950123, MeSH D030342.

Allele frequency attached by ClinVar (database versions not stated): ExAC 0.00002; gnomAD 0.00003 and 0.00004; gnomAD exomes 0.00003; TOPMed 0.00004.
gnomAD v4.1: 46 of 1,613,576 alleles (0.0029%); highest among the groups gnomAD compares: Middle Eastern, 0.033%; no homozygotes.

Submissions (2):

Labcorp Genetics (formerly Invitae), Labcorp
Classification: Uncertain significance. Last evaluated: 2022-06-03. Review status: criteria provided, single submitter. Criteria: Invitae Variant Classification Sherloc (09022015). Collection method: clinical testing. Allele origin: germline.
Comment: This sequence change replaces glycine, which is neutral and non-polar, with aspartic acid, which is acidic and polar, at codon 555 of the ARMC9 protein (p.Gly555Asp). This variant is present in population databases (rs766850144, gnomAD 0.006%). This variant has not been reported in the literature in individuals affected with ARMC9-related conditions. ClinVar contains an entry for this variant (Variation ID: 1051389). Experimental studies and prediction algorithms are not available or were not evaluated, and the functional significance of this variant is currently unknown. In summary, the available evidence is currently insufficient to determine the role of this variant in disease. Therefore, it has been classified as a Variant of Uncertain Significance.

Ambry Genetics
Classification: Uncertain significance for Inborn genetic diseases. Last evaluated: 2022-01-16. Review status: criteria provided, single submitter. Criteria: Ambry Variant Classification Scheme 2023. Collection method: clinical testing. Allele origin: germline.
Comment: The c.1664G>A (p.G555D) alteration is located in exon 18 (coding exon 17) of the ARMC9 gene. This alteration results from a G to A substitution at nucleotide position 1664, causing the glycine (G) at amino acid position 555 to be replaced by an aspartic acid (D). This alteration is predicted to be tolerated by in silico analysis. Based on insufficient or conflicting evidence, the clinical significance of this alteration remains unclear.

NM_001352754.2(ARMC9):c.1664G>A (p.Gly555Asp)

Gene: ARMC9 (armadillo repeat containing 9; plus strand). Cytogenetic location: 2q37.1.
Variant type: single nucleotide variant.
Coding change: c.1664G>A on transcript NM_001352754.2 (MANE Select); coding-DNA position 1664, G replaced by A.
Protein change: p.Gly555Asp; replaces glycine 555 with aspartic acid.
Molecular consequence: missense variant. On other transcripts: non-coding transcript variant (1).
Genome position (GRCh38, 1-based): chr2:231,291,390, G>A. VCF-style: chr2-231291390-G-A. GRCh37 (hg19) VCF-style: chr2-232156103-G-A.
Other names: c.1664G>A, p.Gly555Asp (NM_001271466.4, NM_001291656.2, NM_001352755.2 and 3 more transcripts); c.1565G>A, p.Gly522Asp (NM_001352757.2, NM_001352758.2); c.1664G>A (NM_025139.3); short protein forms G522D, G555D.
Identifiers: ClinVar variation 1051389 (VCV001051389.5), dbSNP rs766850144, ClinGen allele CA2160434.